The following is an entry in ClinVar:

ClinVar aggregate classification (germline): Uncertain significance (1 of 4 stars; one submission).

Submission:

Ambry Genetics
Classification: Uncertain significance. Last evaluated: 2026-03-02. Review status: criteria provided, single submitter. Criteria: Ambry Variant Classification Scheme 2023. Collection method: clinical testing. Allele origin: germline.
Comment: The p.S154Y variant (also known as c.461C>A), located in coding exon 3 of the ATRIP gene, results from a C to A substitution at nucleotide position 461. The serine at codon 154 is replaced by tyrosine, an amino acid with dissimilar properties. This amino acid position is conserved. In addition, this alteration is predicted to be tolerated by in silico analysis. Based on the available evidence, the clinical significance of this variant remains unclear.

NM_130384.3(ATRIP):c.461C>A (p.Ser154Tyr)

Genes: ATRIP (ATR interacting protein; plus strand), ATRIP-TREX1 (ATRIP-TREX1 readthrough; plus strand). Cytogenetic location: 3p21.31.
Variant type: single nucleotide variant.
Coding change: c.461C>A on transcript NM_130384.3 (MANE Select); coding-DNA position 461, C replaced by A.
Protein change: p.Ser154Tyr; replaces serine 154 with tyrosine.
Molecular consequence: missense variant. On other transcripts: non-coding transcript variant (1).
Genome position (GRCh38, 1-based): chr3:48,451,808, C>A. VCF-style: chr3-48451808-C-A. GRCh37 (hg19) VCF-style: chr3-48493214-C-A.
Other names: c.80C>A, p.Ser27Tyr (NM_001271022.2); c.182C>A, p.Ser61Tyr (NM_001271023.2); c.461C>A, p.Ser154Tyr (NM_032166.4); short protein forms S27Y, S154Y, S61Y.
Identifiers: ClinVar variation 4826273 (VCV004826273.1).